The following is an entry in ClinVar:

ClinVar aggregate classification (germline): Benign/Likely benign. Review status: criteria provided, multiple submitters, no conflicts (2 of 4 stars). 6 submissions from 5 submitters: Benign (5); Likely benign (1). Last evaluated 2026-01-20.

Conditions:
Waardenburg syndrome. Also called: Waardenburg's syndrome. Identifiers: Orphanet 3440, MedGen C3266898, MONDO:0018094.
Craniofacial-deafness-hand syndrome (CDHS). Identifiers: Orphanet 1529, MedGen C1852510, MONDO:0007395, OMIM 122880.

Allele frequency attached by ClinVar (database versions not stated): ESP Exome Variant Server 0.00023; gnomAD 0.00029; TOPMed 0.00050; 1000 Genomes Project 30x 0.00187; 1000 Genomes Project 0.00220.
gnomAD v4.1: 661 of 1,606,284 alleles (0.041%); highest among the groups gnomAD compares: East Asian, 1.1%; 3 homozygotes.

Submissions (6):

Labcorp Genetics (formerly Invitae), Labcorp
Classification: Benign. Last evaluated: 2026-01-20. Review status: criteria provided, single submitter. Criteria: Invitae Variant Classification Sherloc (09022015). Collection method: clinical testing. Allele origin: germline.

Blueprint Genetics
Classification: Likely benign. Last evaluated: 2024-09-04. Review status: criteria provided, single submitter. Criteria: ACMG Guidelines, 2015. Collection method: clinical testing. Allele origin: germline.

Illumina Laboratory Services, Illumina
Classification: Benign for Waardenburg syndrome. Last evaluated: 2018-01-13. Review status: criteria provided, single submitter. Criteria: ICSL Variant Classification Criteria 13 December 2019. Collection method: clinical testing. Allele origin: germline.
Comment: This variant was observed in the ICSL laboratory as part of a predisposition screen in an ostensibly healthy population. It had not been previously curated by ICSL or reported in the Human Gene Mutation Database (HGMD: prior to June 1st, 2018), and was therefore a candidate for classification through an automated scoring system. Utilizing variant allele frequency, disease prevalence and penetrance estimates, and inheritance mode, an automated score was calculated to assess if this variant is too frequent to cause the disease. Based on the score and internal cut-off values, a variant classified as benign is not then subjected to further curation. The score for this variant resulted in a classification of benign for this disease.

Illumina Laboratory Services, Illumina
Classification: Benign for Craniofacial-deafness-hand syndrome. Last evaluated: 2018-01-13. Review status: criteria provided, single submitter. Criteria: ICSL Variant Classification Criteria 13 December 2019. Collection method: clinical testing. Allele origin: germline.
Comment: the same text as in the submission from Illumina Laboratory Services, Illumina above.

Laboratory for Molecular Medicine, Mass General Brigham Personalized Medicine
Classification: Benign. Last evaluated: 2014-11-24. Review status: criteria provided, single submitter. Criteria: LMM Criteria. Collection method: clinical testing. Allele origin: germline. Observed: 2 variant alleles.
Comment: 321+10C>A in intron 2 of PAX3: This variant is not expected to have clinical sig nificance because it is not located within the conserved splice consensus sequen ce. It has been identified in 1.7% (10/572) of East Asian chromosomes from a bro ad population by the 1000 Genomes Project (SNP; dbSNP rs140960868).

Breakthrough Genomics
Classification: Benign. Review status: criteria provided, single submitter. Criteria: ACMG Guidelines, 2015. Collection method: not provided. Allele origin: germline. Inheritance: Autosomal recessive inheritance. Affected: yes.

NM_181458.4(PAX3):c.321+10C>A

Gene: PAX3 (paired box 3; minus strand). Cytogenetic location: 2q36.1.
Variant type: single nucleotide variant.
Coding change: c.321+10C>A on transcript NM_181458.4 (MANE Select); 10 bases into the intron after coding-DNA position 321, C replaced by A.
Molecular consequence: intron variant.
Genome position (GRCh38, 1-based): chr2:222,296,968, G>T on the plus strand (C>A on the coding strand, the complement: PAX3 is on the minus strand). VCF-style: chr2-222296968-G-T. GRCh37 (hg19) VCF-style: chr2-223161687-G-T.
Other names: c.321+10C>A (NM_001127366.3, NM_181460.4, NM_181461.4 and 4 more transcripts).
Identifiers: ClinVar variation 226995 (VCV000226995.18), dbSNP rs140960868, ClinGen allele CA2135781.